The following is an entry in ClinVar:

ClinVar aggregate classification (germline): Pathogenic (1 of 4 stars; one submission).

Submission:

Labcorp Genetics (formerly Invitae), Labcorp
Classification: Pathogenic. Last evaluated: 2024-06-04. Review status: criteria provided, single submitter. Criteria: Invitae Variant Classification Sherloc (09022015). Collection method: clinical testing. Allele origin: germline.
Comment: This sequence change creates a premature translational stop signal (p.Gln1172Thrfs*37) in the CAD gene. It is expected to result in an absent or disrupted protein product. Loss-of-function variants in CAD are known to be pathogenic (PMID: 28007989, 32117025, 32820246, 33497533). This variant is present in population databases (rs760688978, gnomAD 0.004%). This variant has not been reported in the literature in individuals affected with CAD-related conditions. For these reasons, this variant has been classified as Pathogenic.

Literature cited by the submitters: PubMed 28007989; PubMed 32117025; PubMed 32820246; PubMed 33497533.

NM_004341.5(CAD):c.3512dup (p.Gln1172fs)

Gene: CAD (carbamoyl-phosphate synthetase 2, aspartate transcarbamylase, and dihydroorotase; plus strand). Cytogenetic location: 2p23.3.
Variant type: Duplication.
Coding change: c.3512dup on transcript NM_004341.5 (MANE Select); coding-DNA position 3512, one base duplicated (C; older notation c.3512dupC).
Protein change: p.Gln1172fs; shifts the reading frame from glutamine 1172.
Molecular consequence: frameshift variant.
Genome position (GRCh38, 1-based): chr2:27,234,120, C duplicated; the last of 7 consecutive C bases (chr2:27,234,114-27,234,120); duplicating any one gives the same sequence. VCF-style (leftmost placement, unchanged base first): chr2-27234113-A-AC. GRCh37 (hg19) VCF-style: chr2-27456981-A-AC.
Other names: c.3323dup, p.Gln1109fs (NM_001306079.2); short protein forms Q1109fs, Q1172fs.
Identifiers: ClinVar variation 3618535 (VCV003618535.2).
Genomic context (GRCh38, chr2:27,234,113, plus strand): 5'-ATCGCCATCTCTGAGCATGTGGAGAATGCAGGTGTGCATTCAGGTGATGCGACGCTGGTG[A>AC]CCCCCCCACAAGATATCACTGCCAAAACCCTGGAGCGGATCAAAGCCATTGTGCATGCTG-3'